The following is an entry in ClinVar:

ClinVar aggregate classification (germline): Uncertain significance. Review status: criteria provided, multiple submitters, no conflicts (2 of 4 stars). 2 submissions from 2 submitters: Uncertain significance (2). Last evaluated 2025-09-30.

Conditions:
Atypical hemolytic-uremic syndrome. Identifiers: Orphanet 2134, MedGen C2931788, MONDO:0016244.

Submissions (2):

Genomenon, Inc
Classification: Uncertain significance for Atypical hemolytic-uremic syndrome. Last evaluated: 2025-09-30. Review status: criteria provided, single submitter. Criteria: Genomenon Sequence Variant Interpretation Standards. Collection method: curation. Allele origin: germline. Affected: yes.
Comment: C3 p.Arg834Trp (c.2500C>T) is a missense variant that changes the amino acid at residue 834 from Arginine to Tryptophan. This variant has been observed in at least one proband affected with atypical hemolytic-uremic syndrome (PMID:30344987). It is absent or not present at a significant frequency in gnomAD. In silico models agree that this variant is not damaging. In conclusion, we classify C3 p.Arg834Trp (c.2500C>T) as a variant of unknown significance.

Blueprint Genetics
Classification: Uncertain significance. Last evaluated: 2023-11-17. Review status: criteria provided, single submitter. Criteria: ACMG Guidelines, 2015. Collection method: clinical testing. Allele origin: germline.

Literature cited by the submitters: PubMed 30344987 (cited by Genomenon, Inc).

NM_000064.4(C3):c.2500C>T (p.Arg834Trp)

Gene: C3 (complement C3; minus strand). Cytogenetic location: 19p13.3.
Variant type: single nucleotide variant.
Coding change: c.2500C>T on transcript NM_000064.4 (MANE Select); coding-DNA position 2500, C replaced by T.
Protein change: p.Arg834Trp; replaces arginine 834 with tryptophan.
Molecular consequence: missense variant.
Genome position (GRCh38, 1-based): chr19:6,697,735, G>A on the plus strand (C>T on the coding strand, the complement: C3 is on the minus strand). VCF-style: chr19-6697735-G-A. GRCh37 (hg19) VCF-style: chr19-6697746-G-A.
Other names: short protein forms R834W.
Identifiers: ClinVar variation 4280169 (VCV004280169.2).